The following is an entry in ClinVar:

ClinVar aggregate classification (germline): Uncertain significance (1 of 4 stars; one submission).

Submission:

GeneDx
Classification: Uncertain significance. Last evaluated: 2020-07-07. Review status: criteria provided, single submitter. Criteria: GeneDx Variant Classification Process June 2021. Collection method: clinical testing. Allele origin: germline. Affected: yes.
Comment: Not observed in large population cohorts (Lek et al., 2016); Frameshift variant predicted to result in protein truncation as the last 127 amino acids are replaced with 74 different amino acids, although loss-of-function variants have not been reported downstream of this position in the protein; Has not been previously published as pathogenic or benign to our knowledge

NM_080605.4(B3GALT6):c.606del (p.Trp203fs)

Gene: B3GALT6 (beta-1,3-galactosyltransferase 6; plus strand). Cytogenetic location: 1p36.33.
Variant type: Deletion.
Coding change: c.606del on transcript NM_080605.4 (MANE Select); coding-DNA position 606, one base deleted (C; older notation c.606delC).
Protein change: p.Trp203fs; shifts the reading frame from tryptophan 203.
Molecular consequence: frameshift variant.
Genome position (GRCh38, 1-based): chr1:1,232,884, C deleted; the last of 2 consecutive C bases (chr1:1,232,883-1,232,884); deleting either gives the same sequence. VCF-style (leftmost placement, unchanged base first): chr1-1232882-GC-G. GRCh37 (hg19) VCF-style: chr1-1168262-GC-G.
Other names: short protein forms W203fs.
Identifiers: ClinVar variation 1312932 (VCV001312932.2), dbSNP rs2100994237, ClinGen allele CA2573051356.
Genomic context (GRCh38, chr1:1,232,882, plus strand): 5'-TACTGGGGCTTCTTCTCGGGCCGCGGCCGCGTCAAGCCGGGGGGGCGCTGGCGCGAGGCC[GC>G]CTGGCAACTCTGCGACTACTACCTGCCCTACGCGCTGGGCGGCGGCTACGTGCTCTCGGC-3'